The following is an entry in ClinVar:

NM_003801.4(GPAA1):c.181G>A (p.Glu61Lys)

Gene: GPAA1 (glycosylphosphatidylinositol anchor attachment 1; plus strand). Cytogenetic location: 8q24.3.
Variant type: single nucleotide variant.
Coding change: c.181G>A on transcript NM_003801.4 (MANE Select); coding-DNA position 181, G replaced by A.
Protein change: p.Glu61Lys; replaces glutamic acid 61 with lysine.
Molecular consequence: missense variant.
Genome position (GRCh38, 1-based): chr8:144,083,230, G>A. VCF-style: chr8-144083230-G-A. GRCh37 (hg19) VCF-style: chr8-145138133-G-A.
Other names: c.181G>A (NM_003801.3); short protein forms E61K.
Identifiers: ClinVar variation 1421110 (VCV001421110.7), dbSNP rs201084845, ClinGen allele CA187627025.
Genomic context (GRCh38, chr8:144,083,230, plus strand): 5'-TTCCCGCCGCTGACCCAGCGCACTTACATGTCGGAGAACGCCATGGGCTCCACCATGGTG[G>A]AGGAGCAGTTTGCGGGCGGAGACCGTGCCCGGGCTTTTGCCCGGGACTTCGCCGCCCACC-3'
Protein context (NP_003792.1, residues 51-71): SENAMGSTMV[Glu61Lys]EQFAGGDRAR

ClinVar aggregate classification (germline): Uncertain significance. Review status: criteria provided, multiple submitters, no conflicts (2 of 4 stars). 2 submissions from 2 submitters: Uncertain significance (2). Last evaluated 2025-06-23.

Conditions:
Inborn genetic diseases. Identifiers: MedGen C0950123, MeSH D030342.

Allele frequency attached by ClinVar (database versions not stated): gnomAD exomes 0.00002.
gnomAD v4.1: 25 of 1,609,894 alleles (0.0016%); highest among the groups gnomAD compares: Non-Finnish European, 0.002%; no homozygotes.

Submissions (2):

Ambry Genetics
Classification: Uncertain significance for Inborn genetic diseases. Last evaluated: 2025-06-23. Review status: criteria provided, single submitter. Criteria: Ambry Variant Classification Scheme 2023. Collection method: clinical testing. Allele origin: germline.

Labcorp Genetics (formerly Invitae), Labcorp
Classification: Uncertain significance. Last evaluated: 2021-06-01. Review status: criteria provided, single submitter. Criteria: Invitae Variant Classification Sherloc (09022015). Collection method: clinical testing. Allele origin: germline.
Comment: This sequence change replaces glutamic acid with lysine at codon 61 of the GPAA1 protein (p.Glu61Lys). The glutamic acid residue is moderately conserved and there is a small physicochemical difference between glutamic acid and lysine. In summary, the available evidence is currently insufficient to determine the role of this variant in disease. Therefore, it has been classified as a Variant of Uncertain Significance. Algorithms developed to predict the effect of missense changes on protein structure and function (SIFT, PolyPhen-2, Align-GVGD) all suggest that this variant is likely to be tolerated, but these predictions have not been confirmed by published functional studies and their clinical significance is uncertain. This variant has not been reported in the literature in individuals with GPAA1-related conditions. This variant is not present in population databases (ExAC no frequency).